The following is an entry in ClinVar:

ClinVar aggregate classification (germline): Uncertain significance (1 of 4 stars; one submission).

Conditions:
Fanconi anemia (FA). Also called: Fanconi's anemia. Identifiers: Orphanet 84, MedGen C0015625, MeSH D005199, MONDO:0019391.

gnomAD v4.1: 6 of 1,614,078 alleles (0.00037%); highest among the groups gnomAD compares: South Asian, 0.0066%; no homozygotes.

Submission:

Labcorp Genetics (formerly Invitae), Labcorp
Classification: Uncertain significance for Fanconi anemia. Last evaluated: 2020-12-27. Review status: criteria provided, single submitter. Criteria: Invitae Variant Classification Sherloc (09022015). Collection method: clinical testing. Allele origin: germline.
Comment: This sequence change replaces arginine with glycine at codon 130 of the FANCM protein (p.Arg130Gly). The arginine residue is highly conserved and there is a moderate physicochemical difference between arginine and glycine. This variant is present in population databases (rs758891745, ExAC 0.02%). In summary, the available evidence is currently insufficient to determine the role of this variant in disease. Therefore, it has been classified as a Variant of Uncertain Significance. Algorithms developed to predict the effect of missense changes on protein structure and function are either unavailable or do not agree on the potential impact of this missense change (SIFT: "Deleterious"; PolyPhen-2: "Possibly Damaging"; Align-GVGD: "Class C0"). This variant has not been reported in the literature in individuals with FANCM-related conditions.

NM_020937.4(FANCM):c.388C>G (p.Arg130Gly)

Gene: FANCM (FA complementation group M; plus strand). Cytogenetic location: 14q21.2.
Variant type: single nucleotide variant.
Coding change: c.388C>G on transcript NM_020937.4 (MANE Select); coding-DNA position 388, C replaced by G.
Protein change: p.Arg130Gly; replaces arginine 130 with glycine.
Molecular consequence: missense variant.
Genome position (GRCh38, 1-based): chr14:45,136,419, C>G. VCF-style: chr14-45136419-C-G. GRCh37 (hg19) VCF-style: chr14-45605622-C-G.
Other names: c.388C>G, p.Arg130Gly (NM_001308133.2, NM_001308134.2); short protein forms R130G.
Identifiers: ClinVar variation 1523046 (VCV001523046.8), dbSNP rs758891745, ClinGen allele CA7168748.
Genomic context (GRCh38, chr14:45,136,419, plus strand): 5'-TGTCTGCCTACCGGACTGGGAAAGACCTTTATTGCCGCCGTGGTCATGTACAATTTCTAC[C>G]GCTGGTTCCCTTCAGGAAAGGTGGTCTTCATGGCCCCAACGAAACCCTTGGTGACACAGC-3'
Protein context (NP_065988.1, residues 120-140): IAAVVMYNFY[Arg130Gly]WFPSGKVVFM